The following is an entry in ClinVar:

ClinVar aggregate classification (germline): Uncertain significance (1 of 4 stars; one submission).

Conditions:
Primary dilated cardiomyopathy (DCM). Also called: Dilated Cardiomyopathy. Identifiers: Orphanet 217604, MedGen C0007193, MeSH D002311, MONDO:0005021, HP:0001644. Inheritance: Various modes of inheritance.

Submission:

Laboratorio de Genetica e Diagnostico Molecular, Hospital Israelita Albert Einstein
Classification: Uncertain significance for Primary dilated cardiomyopathy. Last evaluated: 2022-11-03. Review status: criteria provided, single submitter. Criteria: ACMG Guidelines, 2015. Collection method: clinical testing. Allele origin: germline. Affected: yes. Observed: 1 variant allele.
Comment: ACMG classification criteria: PM2 moderated, PP3 supporting

NM_001318895.3(FHL2):c.752G>C (p.Cys251Ser)

Genes: C2orf49 (chromosome 2 open reading frame 49; plus strand), FHL2 (four and a half LIM domains 2; minus strand). Cytogenetic location: 2q12.2.
Variant type: single nucleotide variant.
Coding change: c.752G>C on transcript NM_001318895.3 (MANE Select); coding-DNA position 752, G replaced by C.
Protein change: p.Cys251Ser; replaces cysteine 251 with serine.
Molecular consequence: missense variant.
Genome position (GRCh38, 1-based): chr2:105,361,371, C>G on the plus strand (G>C on the coding strand, the complement: FHL2 is on the minus strand). VCF-style: chr2-105361371-C-G. GRCh37 (hg19) VCF-style: chr2-105977828-C-G.
Other names: c.752G>C, p.Cys251Ser (NM_001039492.3, NM_001318894.1, NM_001318896.2 and 4 more transcripts); c.410G>C, p.Cys137Ser (NM_001318897.2, NM_001318898.2); c.428G>C, p.Cys143Ser (NM_001318899.2); short protein forms C137S, C143S, C251S.
Identifiers: ClinVar variation 2431511 (VCV002431511.3), dbSNP rs2467138660, ClinGen allele CA347995291.
Genomic context (GRCh38, chr2:105,361,371, plus strand): 5'-AGGATGTCGTCCCTCTCTGTGAGGAAGCCACGCCCCACCAGTGAGAGGGAGCACTTCTTA[C>G]AGTTAAAGCAGTCGTTATGCCACTGCCGTTCCTCAAAGGAGATGTATTTTGTGCCACCAA-3'
Protein context (NP_001305824.1, residues 241-261): ERQWHNDCFN[Cys251Ser]KKCSLSLVGR